The following is an entry in ClinVar:

NM_015909.4(NBAS):c.1242_1243inv (p.Val415Met)

Gene: NBAS (NBAS subunit of NRZ tethering complex; minus strand). Cytogenetic location: 2p24.3.
Variant type: Inversion.
Coding change: c.1242_1243inv on transcript NM_015909.4 (MANE Select).
Protein change: p.Val415Met; replaces valine 415 with methionine.
Molecular consequence: missense variant. On other transcripts: non-coding transcript variant (1).
Genome position: GRCh38 VCF-style: chr2-15475785-CA-TG. GRCh37 (hg19) VCF-style: chr2-15615909-CA-TG.
Other names: short protein forms V415M.
Identifiers: ClinVar variation 1478559 (VCV001478559.8), ClinGen allele CA2573133118.

ClinVar aggregate classification (germline): Uncertain significance (1 of 4 stars; one submission).

Submission:

Labcorp Genetics (formerly Invitae), Labcorp
Classification: Uncertain significance. Last evaluated: 2022-07-14. Review status: criteria provided, single submitter. Criteria: Invitae Variant Classification Sherloc (09022015). Collection method: clinical testing. Allele origin: germline.
Comment: This sequence change replaces valine, which is neutral and non-polar, with methionine, which is neutral and non-polar, at codon 415 of the NBAS protein (p.Val415Met). Information on the frequency of this variant in the gnomAD database is not available, as this variant may be reported differently in the database. In summary, the available evidence is currently insufficient to determine the role of this variant in disease. Therefore, it has been classified as a Variant of Uncertain Significance. Experimental studies and prediction algorithms are not available or were not evaluated, and the functional significance of this variant is currently unknown. ClinVar contains an entry for this variant (Variation ID: 1478559). This variant has not been reported in the literature in individuals affected with NBAS-related conditions.